The following is an entry in ClinVar:

NM_198578.4(LRRK2):c.3215C>A (p.Pro1072His)

Gene: LRRK2 (leucine rich repeat kinase 2; plus strand). Cytogenetic location: 12q12.
Variant type: single nucleotide variant.
Coding change: c.3215C>A on transcript NM_198578.4 (MANE Select); coding-DNA position 3215, C replaced by A.
Protein change: p.Pro1072His; replaces proline 1072 with histidine.
Molecular consequence: missense variant.
Genome position (GRCh38, 1-based): chr12:40,298,361, C>A. VCF-style: chr12-40298361-C-A. GRCh37 (hg19) VCF-style: chr12-40692163-C-A.
Other names: short protein forms P1072H.
Identifiers: ClinVar variation 3292039 (VCV003292039.1).

ClinVar aggregate classification (germline): Uncertain significance (1 of 4 stars; one submission).

Conditions:
Inborn genetic diseases. Identifiers: MedGen C0950123, MeSH D030342.

gnomAD v4.1: 6 of 1,613,740 alleles (0.00037%); highest among the groups gnomAD compares: Non-Finnish European, 0.00051%; no homozygotes.

Submission:

Ambry Genetics
Classification: Uncertain significance for Inborn genetic diseases. Last evaluated: 2024-05-27. Review status: criteria provided, single submitter. Criteria: Ambry Variant Classification Scheme 2023. Collection method: clinical testing. Allele origin: germline.
Comment: The p.P1072H variant (also known as c.3215C>A), located in coding exon 24 of the LRRK2 gene, results from a C to A substitution at nucleotide position 3215. The proline at codon 1072 is replaced by histidine, an amino acid with similar properties. This amino acid position is conserved. In addition, the in silico prediction for this alteration is inconclusive. Based on the available evidence, the clinical significance of this variant remains unclear.